The following is an entry in ClinVar:

NM_001127392.3(MYRF):c.3387C>G (p.Asn1129Lys)

Gene: MYRF (myelin regulatory factor; plus strand). Cytogenetic location: 11q12.2.
Variant type: single nucleotide variant.
Coding change: c.3387C>G on transcript NM_001127392.3 (MANE Select); coding-DNA position 3387, C replaced by G.
Protein change: p.Asn1129Lys; replaces asparagine 1129 with lysine.
Molecular consequence: missense variant.
Genome position (GRCh38, 1-based): chr11:61,786,074, C>G. VCF-style: chr11-61786074-C-G. GRCh37 (hg19) VCF-style: chr11-61553546-C-G.
Other names: c.3267C>G, p.Asn1089Lys (NM_013279.4); short protein forms N1089K, N1129K.
Identifiers: ClinVar variation 3774977 (VCV003774977.1).

ClinVar aggregate classification (germline): Uncertain significance (1 of 4 stars; one submission).

gnomAD v4.1: 1 of 1,614,236 alleles (0.000062%); highest among the groups gnomAD compares: Admixed American, 0.0017%; no homozygotes.

Submission:

GeneDx
Classification: Uncertain significance. Last evaluated: 2024-09-26. Review status: criteria provided, single submitter. Criteria: GeneDx Variant Classification Process June 2021. Collection method: clinical testing. Allele origin: germline. Affected: yes.
Comment: Not observed at significant frequency in large population cohorts (gnomAD); In silico analysis supports that this missense variant has a deleterious effect on protein structure/function; Has not been previously published as pathogenic or benign to our knowledge